The following is an entry in ClinVar:

NM_001282860.2(GON4L):c.6576+8C>T

Gene: GON4L (gon-4 like; minus strand). Cytogenetic location: 1q22.
Variant type: single nucleotide variant.
Coding change: c.6576+8C>T on transcript NM_001282860.2 (MANE Select); 8 bases into the intron after coding-DNA position 6576, C replaced by T.
Molecular consequence: intron variant.
Genome position (GRCh38, 1-based): chr1:155,751,759, G>A on the plus strand (C>T on the coding strand, the complement: GON4L is on the minus strand). VCF-style: chr1-155751759-G-A. GRCh37 (hg19) VCF-style: chr1-155721550-G-A.
Other names: c.6576+8C>T (NM_001282856.2); c.6573+8C>T (NM_001282858.2).
Identifiers: ClinVar variation 3049890 (VCV003049890.2), dbSNP rs766347337, ClinGen allele CA1149939.

ClinVar aggregate classification (germline): Likely benign (0 of 4 stars; one submission).

Conditions:
GON4L-related disorder. Also called: GON4L-related condition.

Allele frequency attached by ClinVar (database versions not stated): gnomAD exomes 0.00002; ExAC 0.00007; gnomAD 0.00012; TOPMed 0.00012.
gnomAD v4.1: 57 of 1,594,238 alleles (0.0036%); highest among the groups gnomAD compares: African/African-American, 0.034%; no homozygotes.

Submission:

PreventionGenetics, part of Exact Sciences
Classification: Likely benign for GON4L-related condition. Last evaluated: 2019-07-18. Review status: no assertion criteria provided. Collection method: clinical testing. Allele origin: germline.
Comment: This variant is classified as likely benign based on ACMG/AMP sequence variant interpretation guidelines (Richards et al. 2015 PMID: 25741868, with internal and published modifications).